The following is an entry in ClinVar:

NM_001018005.2(TPM1):c.702+4A>G

Gene: TPM1 (tropomyosin 1; plus strand). Cytogenetic location: 15q22.2.
Variant type: single nucleotide variant.
Coding change: c.702+4A>G on transcript NM_001018005.2 (MANE Select); 4 bases into the intron after coding-DNA position 702, A replaced by G.
Molecular consequence: intron variant.
Genome position (GRCh38, 1-based): chr15:63,062,281, A>G. VCF-style: chr15-63062281-A-G. GRCh37 (hg19) VCF-style: chr15-63354480-A-G.
Other names: c.828+4A>G (NM_001365778.1); c.702+4A>G (NM_001018020.2, NM_001018007.2, NM_001018006.2 and 6 more transcripts); c.594+4A>G (NM_001330351.2, NM_001330344.2, NM_001018008.2 and 5 more transcripts).
Identifiers: ClinVar variation 181672 (VCV000181672.8), dbSNP rs730881145, ClinGen allele CA019295.

ClinVar aggregate classification (germline): Uncertain significance. Review status: criteria provided, multiple submitters, no conflicts (2 of 4 stars). 3 submissions from 3 submitters: Uncertain significance (3). Last evaluated 2025-06-29.

Conditions:
Cardiomyopathy (CMYO). Also called: Cardiomyopathies. Identifiers: Orphanet 167848, MedGen C0878544, MONDO:0004994, HP:0001638. Inheritance: Various modes of inheritance.
Hypertrophic cardiomyopathy. Also called: HYPERTROPHIC MYOCARDIOPATHY. Identifiers: Orphanet 217569, MedGen C0007194, MeSH D002312, MONDO:0005045, HP:0001639.

Allele frequency attached by ClinVar (database versions not stated): gnomAD exomes below 0.00001; TOPMed below 0.00001.
gnomAD v4.1: 1 of 1,613,986 alleles (0.000062%); highest among the groups gnomAD compares: Non-Finnish European, 0.000085%; no homozygotes.

Submissions (3):

Color Diagnostics, LLC DBA Color Health
Classification: Uncertain significance for Cardiomyopathy. Last evaluated: 2025-06-29. Review status: criteria provided, single submitter. Criteria: ACMG Guidelines, 2015. Collection method: clinical testing. Allele origin: germline.
Comment: This variant causes an A to G nucleotide substitution at the +4 position of intron 7/9 of the TPM1 gene. To our knowledge, functional studies have not been reported for this variant. This variant has not been reported in individuals affected with TPM1-related disorders in the literature. This variant has not been identified in the general population by the Genome Aggregation Database (gnomAD). The available evidence is insufficient to determine the role of this variant in disease conclusively. Therefore, this variant is classified as a Variant of Uncertain Significance.

Labcorp Genetics (formerly Invitae), Labcorp
Classification: Uncertain significance for Hypertrophic cardiomyopathy. Last evaluated: 2020-04-08. Review status: criteria provided, single submitter. Criteria: Invitae Variant Classification Sherloc (09022015). Collection method: clinical testing. Allele origin: germline.
Comment: In summary, the available evidence is currently insufficient to determine the role of this variant in disease. Therefore, it has been classified as a Variant of Uncertain Significance. Nucleotide substitutions within the consensus splice site are a relatively common cause of aberrant splicing (PMID: 17576681, 9536098). Algorithms developed to predict the effect of sequence changes on RNA splicing suggest that this variant may disrupt the consensus splice site, but this prediction has not been confirmed by published transcriptional studies. This variant has not been reported in the literature in individuals with TPM1-related conditions. ClinVar contains an entry for this variant (Variation ID: 181672). This variant is not present in population databases (ExAC no frequency). This sequence change falls in intron 7 of the TPM1 gene. It does not directly change the encoded amino acid sequence of the TPM1 protein, but it affects a nucleotide within the consensus splice site of the intron.

GeneDx
Classification: Uncertain significance. Last evaluated: 2011-12-08. Review status: criteria provided, single submitter. Criteria: GeneDx Variant Classification (06012015). Collection method: clinical testing. Allele origin: germline. Affected: yes.
Comment: The c.702+4 A>G variant in the TPM1 gene has not been reported previously as a disease-causing mutation nor as a benign polymorphism, to our knowledge. Three in silico splice analysis programs predict c.702+4 A>G destroys or reduces the efficiency of the natural donor splice site of intron 7. This may lead to either an abnormal message, which is subject to nonsense-mediated mRNA decay, or to an abnormal protein product if the message is used for protein translation. However, the majority of disease-causing mutations in the TPM1 gene are missense mutations and no splice site mutations have been reported in the TPM1 gene to date. The NHLBI Exome Variant Server reports c.702+4 A>G in the TPM1 gene was not observed in at least 6500 individuals from Caucasian and African American backgrounds. Therefore, based on the currently available information, it is unclear whether this variant is a pathogenic mutation or a rare benign variant. The variant is found in HCM panel(s).

Literature cited by the submitters: PubMed 17576681 (cited by Labcorp Genetics (formerly Invitae), Labcorp); PubMed 9536098 (cited by Labcorp Genetics (formerly Invitae), Labcorp).